The following is an entry in ClinVar:

NM_002076.4(GNS):c.1264A>G (p.Asn422Asp)

Gene: GNS (glucosamine (N-acetyl)-6-sulfatase; minus strand). Cytogenetic location: 12q14.3.
Variant type: single nucleotide variant.
Coding change: c.1264A>G on transcript NM_002076.4 (MANE Select); coding-DNA position 1264, A replaced by G.
Protein change: p.Asn422Asp; replaces asparagine 422 with aspartic acid.
Molecular consequence: missense variant.
Genome position (GRCh38, 1-based): chr12:64,723,050, T>C on the plus strand (A>G on the coding strand, the complement: GNS is on the minus strand). VCF-style: chr12-64723050-T-C. GRCh37 (hg19) VCF-style: chr12-65116830-T-C.
Other names: short protein forms N422D.
Identifiers: ClinVar variation 2110580 (VCV002110580.4), dbSNP rs2539505217, ClinGen allele CA385602974.

ClinVar aggregate classification (germline): Uncertain significance (1 of 4 stars; one submission).

Conditions:
Mucopolysaccharidosis, MPS-III-D (MPS3D). Also called: N-ACETYLGLUCOSAMINE-6-SULFATASE DEFICIENCY; SANFILIPPO SYNDROME D; MPS III D; Mucopoly-saccharidosis type 3D; N-acetylglucosamine-6-sulfate sulfatase deficiency; MPS 3D. Identifiers: Orphanet 581, Orphanet 79272, MedGen C0086650, MONDO:0009658, OMIM 252940.

Allele frequency attached by ClinVar (database versions not stated): gnomAD exomes below 0.00001.
gnomAD v4.1: 1 of 1,613,178 alleles (0.000062%); highest among the groups gnomAD compares: Non-Finnish European, 0.000085%; no homozygotes.

Submission:

Labcorp Genetics (formerly Invitae), Labcorp
Classification: Uncertain significance for Mucopolysaccharidosis, MPS-III-D. Last evaluated: 2022-03-13. Review status: criteria provided, single submitter. Criteria: Invitae Variant Classification Sherloc (09022015). Collection method: clinical testing. Allele origin: germline.
Comment: In summary, the available evidence is currently insufficient to determine the role of this variant in disease. Therefore, it has been classified as a Variant of Uncertain Significance. This sequence change replaces asparagine, which is neutral and polar, with aspartic acid, which is acidic and polar, at codon 422 of the GNS protein (p.Asn422Asp). This variant is not present in population databases (gnomAD no frequency). This variant has not been reported in the literature in individuals affected with GNS-related conditions. Algorithms developed to predict the effect of missense changes on protein structure and function output the following: SIFT: "Tolerated"; PolyPhen-2: "Benign"; Align-GVGD: "Class C0". The aspartic acid amino acid residue is found in multiple mammalian species, which suggests that this missense change does not adversely affect protein function.